The following is an entry in ClinVar:

ClinVar aggregate classification (germline): Uncertain significance (1 of 4 stars; one submission).

Submission:

Labcorp Genetics (formerly Invitae), Labcorp
Classification: Uncertain significance. Last evaluated: 2018-01-30. Review status: criteria provided, single submitter. Criteria: Invitae Variant Classification Sherloc (09022015). Collection method: clinical testing. Allele origin: germline.
Comment: This variant is an in-frame deletion of the genomic region encompassing exons 12 through 16 of the MED13 gene. It preserves the integrity of the reading frame. This variant has not been reported in the literature in individuals with MED13-related disease. In summary, the available evidence is currently insufficient to determine the role of this variant in disease. Therefore, it has been classified as a Variant of Uncertain Significance.

NC_000017.10:g.(?_60059559)_(60064489_?)del

Gene: MED13 (mediator complex subunit 13; minus strand). Cytogenetic location: 17q23.2.
Variant type: Deletion.
Identifiers: ClinVar variation 1036026 (VCV001036026.3).